The following is an entry in ClinVar:

NM_002880.4(RAF1):c.278C>T (p.Pro93Leu)

Gene: RAF1 (Raf-1 proto-oncogene, serine/threonine kinase; minus strand). Cytogenetic location: 3p25.2.
Variant type: single nucleotide variant.
Coding change: c.278C>T on transcript NM_002880.4 (MANE Select); coding-DNA position 278, C replaced by T.
Protein change: p.Pro93Leu; replaces proline 93 with leucine.
Molecular consequence: missense variant. On other transcripts: non-coding transcript variant (3), intron variant (4).
Genome position (GRCh38, 1-based): chr3:12,611,992, G>A on the plus strand (C>T on the coding strand, the complement: RAF1 is on the minus strand). VCF-style: chr3-12611992-G-A. GRCh37 (hg19) VCF-style: chr3-12653491-G-A.
Other names: c.278C>T, p.Pro93Leu (NM_001354689.3, NM_001354690.3, NM_001354693.3); c.78-2657C>T (NM_001354695.3, NM_001354692.3, NM_001354694.3 and 1 more transcripts); short protein forms P93L.
Identifiers: ClinVar variation 918029 (VCV000918029.8), dbSNP rs1559438381, ClinGen allele CA351520706.

ClinVar aggregate classification (germline): Uncertain significance. Review status: criteria provided, multiple submitters, no conflicts (2 of 4 stars). 2 submissions from 2 submitters: Uncertain significance (2). Last evaluated 2022-04-03.

Conditions:
RASopathy. Also called: rasopathies; Noonan spectrum disorder. Identifiers: Orphanet 536391, MedGen C5555857, MONDO:0021060.

Allele frequency attached by ClinVar (database versions not stated): gnomAD exomes below 0.00001.
gnomAD v4.1: 1 of 1,614,116 alleles (0.000062%); highest among the groups gnomAD compares: Non-Finnish European, 0.000085%; no homozygotes.

Submissions (2):

Labcorp Genetics (formerly Invitae), Labcorp
Classification: Uncertain significance for RASopathy. Last evaluated: 2022-04-03. Review status: criteria provided, single submitter. Criteria: Invitae Variant Classification Sherloc (09022015). Collection method: clinical testing. Allele origin: germline.
Comment: In summary, the available evidence is currently insufficient to determine the role of this variant in disease. Therefore, it has been classified as a Variant of Uncertain Significance. Advanced modeling of protein sequence and biophysical properties (such as structural, functional, and spatial information, amino acid conservation, physicochemical variation, residue mobility, and thermodynamic stability) performed at Invitae indicates that this missense variant is expected to disrupt RAF1 protein function. ClinVar contains an entry for this variant (Variation ID: 918029). This variant has not been reported in the literature in individuals affected with RAF1-related conditions. This variant is not present in population databases (gnomAD no frequency). This sequence change replaces proline, which is neutral and non-polar, with leucine, which is neutral and non-polar, at codon 93 of the RAF1 protein (p.Pro93Leu).

GeneDx
Classification: Uncertain significance. Last evaluated: 2020-09-01. Review status: criteria provided, single submitter. Criteria: GeneDx Variant Classification Process June 2021. Collection method: clinical testing. Allele origin: germline. Affected: yes.
Comment: Not observed in large population cohorts (Lek et al., 2016); In silico analysis supports that this missense variant has a deleterious effect on protein structure/function; Has not been previously published as pathogenic or benign to our knowledge